The following is an entry in ClinVar:

ClinVar aggregate classification (germline): Uncertain significance (1 of 4 stars; one submission).

Conditions:
Birt-Hogg-Dube syndrome. Also called: Birt Hogg Dubé syndrome. Identifiers: Orphanet 122, MedGen C0346010, MONDO:0800444.

Submission:

Labcorp Genetics (formerly Invitae), Labcorp
Classification: Uncertain significance for Birt-Hogg-Dube syndrome. Last evaluated: 2023-02-22. Review status: criteria provided, single submitter. Criteria: Invitae Variant Classification Sherloc (09022015). Collection method: clinical testing. Allele origin: germline.
Comment: Advanced modeling of protein sequence and biophysical properties (such as structural, functional, and spatial information, amino acid conservation, physicochemical variation, residue mobility, and thermodynamic stability) performed at Invitae indicates that this missense variant is expected to disrupt FLCN protein function. In summary, the available evidence is currently insufficient to determine the role of this variant in disease. Therefore, it has been classified as a Variant of Uncertain Significance. This variant has not been reported in the literature in individuals affected with FLCN-related conditions. This variant is not present in population databases (gnomAD no frequency). This sequence change replaces glycine, which is neutral and non-polar, with alanine, which is neutral and non-polar, at codon 149 of the FLCN protein (p.Gly149Ala).

NM_144997.7(FLCN):c.446G>C (p.Gly149Ala)

Gene: FLCN (folliculin; minus strand). Cytogenetic location: 17p11.2.
Variant type: single nucleotide variant.
Coding change: c.446G>C on transcript NM_144997.7 (MANE Select); coding-DNA position 446, G replaced by C.
Protein change: p.Gly149Ala; replaces glycine 149 with alanine.
Molecular consequence: missense variant.
Genome position (GRCh38, 1-based): chr17:17,224,094, C>G on the plus strand (G>C on the coding strand, the complement: FLCN is on the minus strand). VCF-style: chr17-17224094-C-G. GRCh37 (hg19) VCF-style: chr17-17127408-C-G.
Other names: c.500G>C, p.Gly167Ala (NM_001353229.2); c.446G>C, p.Gly149Ala (NM_001353230.2, NM_001353231.2, NM_144606.7); short protein forms G149A, G167A.
Identifiers: ClinVar variation 2839804 (VCV002839804.3), dbSNP rs2144981003, ClinGen allele CA398534543.